The following is an entry in ClinVar:

NM_014000.3(VCL):c.2467C>G (p.Arg823Gly)

Gene: VCL (vinculin; plus strand). Cytogenetic location: 10q22.2.
Variant type: single nucleotide variant.
Coding change: c.2467C>G on transcript NM_014000.3 (MANE Select); coding-DNA position 2467, C replaced by G.
Protein change: p.Arg823Gly; replaces arginine 823 with glycine.
Molecular consequence: missense variant.
Genome position (GRCh38, 1-based): chr10:74,107,262, C>G. VCF-style: chr10-74107262-C-G. GRCh37 (hg19) VCF-style: chr10-75867020-C-G.
Other names: c.2467C>G, p.Arg823Gly (NM_003373.4); short protein forms R823G.
Identifiers: ClinVar variation 3682959 (VCV003682959.2).

ClinVar aggregate classification (germline): Uncertain significance (1 of 4 stars; one submission).

Conditions:
Dilated cardiomyopathy 1W (CMD1W). Identifiers: Orphanet 154, MedGen C1969639, MONDO:0012667, OMIM 611407.

gnomAD v4.1: 1 of 1,614,176 alleles (0.000062%); highest among the groups gnomAD compares: Non-Finnish European, 0.000085%; no homozygotes.

Submission:

Labcorp Genetics (formerly Invitae), Labcorp
Classification: Uncertain significance for Dilated cardiomyopathy 1W. Last evaluated: 2024-08-12. Review status: criteria provided, single submitter. Criteria: Invitae Variant Classification Sherloc (09022015). Collection method: clinical testing. Allele origin: germline.
Comment: This sequence change replaces arginine, which is basic and polar, with glycine, which is neutral and non-polar, at codon 823 of the VCL protein (p.Arg823Gly). This variant is not present in population databases (gnomAD no frequency). This variant has not been reported in the literature in individuals affected with VCL-related conditions. An algorithm developed to predict the effect of missense changes on protein structure and function (PolyPhen-2) suggests that this variant is likely to be disruptive. In summary, the available evidence is currently insufficient to determine the role of this variant in disease. Therefore, it has been classified as a Variant of Uncertain Significance.